The following is an entry in ClinVar:

NM_004304.5(ALK):c.1913-4_1913-3delinsAA

Gene: ALK (ALK receptor tyrosine kinase; minus strand). Cytogenetic location: 2p23.2.
Variant type: Indel.
Coding change: c.1913-4_1913-3delinsAA on transcript NM_004304.5 (MANE Select); 4 bases into the intron before coding-DNA position 1913 through 3 bases into the intron before coding-DNA position 1913, GC replaced by AA.
Molecular consequence: intron variant.
Genome position (GRCh38, 1-based): chr2:29,275,230-29,275,231, GC replaced by TT on the plus strand (GC replaced by AA on the coding strand, the reverse complement: ALK is on the minus strand). VCF-style: chr2-29275230-GC-TT. GRCh37 (hg19) VCF-style: chr2-29498096-GC-TT.
Identifiers: ClinVar variation 2761259 (VCV002761259.3), dbSNP rs2465331592, ClinGen allele CA2697547941.
Genomic context (GRCh38, chr2:29,275,230, plus strand): 5'-TCAAACAGGTTTCTTGATTTGGGTGCTGTATTCTGCAGGATCTTGTCCTCTCCGCTAACT[GC>TT]AATAGAGAAGACCCCACGGGCTGAGTTAGGTGAGGGTTGATTTCAGGGTGAGAGATGATT-3'

ClinVar aggregate classification (germline): Uncertain significance (1 of 4 stars; one submission).

Conditions:
Neuroblastoma, susceptibility to, 3. Also called: ALK-Related Neuroblastic Tumor Susceptibility. Identifiers: Orphanet 635, MedGen C2751681, MONDO:0013083, OMIM 613014.

Submission:

Labcorp Genetics (formerly Invitae), Labcorp
Classification: Uncertain significance for Neuroblastoma, susceptibility to, 3. Last evaluated: 2023-09-17. Review status: criteria provided, single submitter. Criteria: Invitae Variant Classification Sherloc (09022015). Collection method: clinical testing. Allele origin: germline.
Comment: In summary, the available evidence is currently insufficient to determine the role of this variant in disease. Therefore, it has been classified as a Variant of Uncertain Significance. Variants that disrupt the consensus splice site are a relatively common cause of aberrant splicing (PMID: 17576681, 9536098). Experimental studies and prediction algorithms are not available or were not evaluated, and the effect of this variant on mRNA splicing is currently unknown. This sequence change falls in intron 10 of the ALK gene. It does not directly change the encoded amino acid sequence of the ALK protein. It affects a nucleotide within the consensus splice site. Information on the frequency of this variant in the gnomAD database is not available, as this variant may be reported differently in the database. This variant has not been reported in the literature in individuals affected with ALK-related conditions.

Literature cited by the submitters: PubMed 17576681; PubMed 9536098.